The following is an entry in ClinVar:

ClinVar aggregate classification (germline): Uncertain significance (1 of 4 stars; one submission).

Conditions:
X-linked Alport syndrome (ATS1). Also called: COL4A5-Related Nephropathy; NEPHROPATHY AND DEAFNESS, X-LINKED. Identifiers: Orphanet 63, Orphanet 88917, MedGen C4746986, MONDO:0010520, OMIM 301050.

Submission:

Juno Genomics, Hangzhou Juno Genomics, Inc
Classification: Uncertain significance for X-linked Alport syndrome. Review status: criteria provided, single submitter. Criteria: ACMG Guidelines, 2015. Collection method: clinical testing. Allele origin: germline. Affected: yes.
Comment: Absent from controls (or at extremely low frequency if recessive) in Genome Aggregation Database, Exome Sequencing Project, 1000 Genomes Project, or Exome Aggregation Consortium.;Multiple lines of computational evidence support a deleterious effect on the gene or gene product (conservation, evolutionary, splicing impact, etc).;Patient's phenotype or family history is highly specific for a disease with a single genetic etiology.

NM_033380.3(COL4A5):c.2146+3A>G

Gene: COL4A5 (collagen type IV alpha 5 chain; plus strand). Cytogenetic location: Xq22.3.
Variant type: single nucleotide variant.
Coding change: c.2146+3A>G on transcript NM_033380.3 (MANE Select); 3 bases into the intron after coding-DNA position 2146, A replaced by G.
Molecular consequence: intron variant.
Genome position (GRCh38, 1-based): chrX:108,601,992, A>G. VCF-style: chrX-108601992-A-G. GRCh37 (hg19) VCF-style: chrX-107845222-A-G.
Other names: c.2146+3A>G (NM_000495.5).
Identifiers: ClinVar variation 3392474 (VCV003392474.2).
Genomic context (GRCh38, chrX:108,601,992, plus strand): 5'-AGCAAAGGAGAACCAGGTATCCCTGGAATTGGGCTTCCTGGACCACCTGGTCCCAAAGGT[A>G]TGTTGGAATGGGTAGCAGGCAGAGTAGGTTAGAAGTTTAGCATGATGTTATTCTCTCATA-3'